The following is an entry in ClinVar:

ClinVar aggregate classification (germline): Uncertain significance (1 of 4 stars; one submission).

Submission:

Labcorp Genetics (formerly Invitae), Labcorp
Classification: Uncertain significance. Last evaluated: 2023-11-18. Review status: criteria provided, single submitter. Criteria: Invitae Variant Classification Sherloc (09022015). Collection method: clinical testing. Allele origin: germline.
Comment: This sequence change replaces arginine, which is basic and polar, with glycine, which is neutral and non-polar, at codon 111 of the TNFRSF6B protein (p.Arg111Gly). This variant is not present in population databases (gnomAD no frequency). This variant has not been reported in the literature in individuals affected with TNFRSF6B-related conditions. An algorithm developed to predict the effect of missense changes on protein structure and function (PolyPhen-2) suggests that this variant is likely to be disruptive. In summary, the available evidence is currently insufficient to determine the role of this variant in disease. Therefore, it has been classified as a Variant of Uncertain Significance.

NM_003823.4(TNFRSF6B):c.331C>G (p.Arg111Gly)

Genes: RTEL1-TNFRSF6B (RTEL1-TNFRSF6B readthrough (NMD candidate); plus strand), TNFRSF6B (TNF receptor superfamily member 6b; plus strand). Cytogenetic location: 20q13.33.
Variant type: single nucleotide variant.
Coding change: c.331C>G on transcript NM_003823.4 (MANE Select); coding-DNA position 331, C replaced by G.
Protein change: p.Arg111Gly; replaces arginine 111 with glycine.
Molecular consequence: missense variant. On other transcripts: non-coding transcript variant (1).
Genome position (GRCh38, 1-based): chr20:63,697,098, C>G. VCF-style: chr20-63697098-C-G. GRCh37 (hg19) VCF-style: chr20-62328451-C-G.
Other names: short protein forms R111G.
Identifiers: ClinVar variation 2791891 (VCV002791891.3), dbSNP rs1166317805, ClinGen allele CA409711223.